The following is an entry in ClinVar:

NM_007294.4(BRCA1):c.301+55G>A

Gene: BRCA1 (BRCA1 DNA repair associated; minus strand). Cytogenetic location: 17q21.31.
Variant type: single nucleotide variant.
Coding change: c.301+55G>A on transcript NM_007294.4 (MANE Select); 55 bases into the intron after coding-DNA position 301, G replaced by A.
Molecular consequence: intron variant.
Genome position (GRCh38, 1-based): chr17:43,104,813, C>T on the plus strand (G>A on the coding strand, the complement: BRCA1 is on the minus strand). VCF-style: chr17-43104813-C-T. GRCh37 (hg19) VCF-style: chr17-41256830-C-T.
Other names: c.160+55G>A (NM_001408458.1, NM_001407931.1, NM_001407747.1 and 99 more transcripts); c.-218-9953G>A (NM_001407967.1, NM_001407966.1); c.-81+55G>A (NM_001407959.1, NM_001407962.1, NM_001408512.1 and 4 more transcripts); c.91+55G>A (NM_001407885.1, NM_001407886.1, NM_001407898.1 and 58 more transcripts); c.301+55G>A (NM_001407686.1, NM_001408397.1, NM_001407632.1 and 164 more transcripts); c.169+55G>A (NM_001408451.1); c.223+55G>A (NM_001408475.1, NM_001407875.1, NM_001407659.1 and 21 more transcripts); c.292+64G>A (NM_001408408.1, NM_001407647.1, NM_001407646.1).
Identifiers: ClinVar variation 433688 (VCV000433688.10), dbSNP rs868735744, ClinGen allele CA290817884.
Genomic context (GRCh38, chr17:43,104,813, plus strand): 5'-AAAATTAACCTAGACTAAAAGGTCTTATCACCACGTCATAGAAAGTAATTGTGCAAACTT[C>T]CTGAGTTTTCATGGACAGCACTTGAGTGTCATTCTTGGGATATTCAACACTTACACTCCA-3'

ClinVar aggregate classification (germline): Benign. Review status: criteria provided, multiple submitters, no conflicts (2 of 4 stars). 5 submissions from 5 submitters: Benign (2). 3 of the submissions do not count toward it. Last evaluated 2019-05-28.

Conditions:
Breast-ovarian cancer, familial, susceptibility to, 1 (BROVCA1). Also called: BRCA1 Hereditary Breast and Ovarian Cancer; OVARIAN CANCER, SUSCEPTIBILITY TO. Identifiers: Orphanet 145, MedGen C2676676, MONDO:0011450, OMIM 604370. Disease mechanism: loss of function.

Allele frequency attached by ClinVar (database versions not stated): gnomAD 0.00005 and 0.00009; gnomAD exomes 0.00005; TOPMed 0.00007.
gnomAD v4.1: 78 of 1,480,314 alleles (0.0053%); highest among the groups gnomAD compares: Middle Eastern, 0.6%; no homozygotes.

Submissions (5):

Mendelics
Classification: Benign for Breast-ovarian cancer, familial, susceptibility to, 1. Last evaluated: 2019-05-28. Review status: criteria provided, single submitter. Criteria: Mendelics Assertion Criteria 2017. Collection method: clinical testing. Allele origin: unknown.

Breakthrough Genomics
Classification: Benign. Review status: criteria provided, single submitter. Criteria: ACMG Guidelines, 2015. Collection method: not provided. Allele origin: germline. Inheritance: Autosomal recessive inheritance. Affected: yes.

University of Washington Department of Laboratory Medicine, University of Washington
Classification: Likely benign for Breast-ovarian cancer, familial, susceptibility to, 1. Last evaluated: 2021-07-21. Review status: no assertion criteria provided. Collection method: clinical testing. Allele origin: unknown. Affected: yes. Not counted in ClinVar's aggregate classification.
Comment: No effect on splicing from RNA analysis.

King Laboratory, University of Washington
Classification: Benign. Last evaluated: 2019-09-01. Review status: no assertion criteria provided. Collection method: research. Allele origin: germline. Affected: yes. Not counted in ClinVar's aggregate classification.
Comment: Transcript analysis by cBROCA

Department of Pathology and Laboratory Medicine, Sinai Health System
Classification: Likely benign. Review status: no assertion criteria provided. Collection method: clinical testing. Allele origin: unknown. Affected: yes. Observed: 1 variant allele. Study: The Canadian Open Genetics Repository (COGR). Not counted in ClinVar's aggregate classification.

Literature cited by the submitters: PubMed 31843900 (cited by King Laboratory, University of Washington).